The following is an entry in ClinVar:

NM_002335.4(LRP5):c.1283G>A (p.Arg428Gln)

Gene: LRP5 (LDL receptor related protein 5; plus strand). Cytogenetic location: 11q13.2.
Variant type: single nucleotide variant.
Coding change: c.1283G>A on transcript NM_002335.4 (MANE Select); coding-DNA position 1283, G replaced by A.
Protein change: p.Arg428Gln; replaces arginine 428 with glutamine.
Molecular consequence: missense variant. On other transcripts: 5 prime UTR variant (1).
Genome position (GRCh38, 1-based): chr11:68,386,583, G>A. VCF-style: chr11-68386583-G-A. GRCh37 (hg19) VCF-style: chr11-68154051-G-A.
Other names: c.-483G>A (NM_001291902.2); c.1283G>A (NM_002335.2, NM_002335.3); short protein forms R428Q.
Identifiers: ClinVar variation 1008154 (VCV001008154.11), dbSNP rs770223547, ClinGen allele CA6149291.

ClinVar aggregate classification (germline): Uncertain significance. Review status: criteria provided, multiple submitters, no conflicts (2 of 4 stars). 4 submissions from 4 submitters: Uncertain significance (4). Last evaluated 2026-02-17.

Conditions:
LRP5-related disorder. Also called: LRP5-related condition.
Inborn genetic diseases. Identifiers: MedGen C0950123, MeSH D030342.
Osteoporosis with pseudoglioma (OPPG). Also called: osteoporosis-pseudoglioma syndrome. Identifiers: Orphanet 2788, MedGen C0432252, MONDO:0009820, OMIM 259770.
Polycystic liver disease 4 with or without kidney cysts. Identifiers: MedGen C4693479, MONDO:0044327, OMIM 617875.
Autosomal dominant osteopetrosis 1 (OPTA1). Also called: OSTEOPETROSIS, AUTOSOMAL DOMINANT, TYPE I. Identifiers: Orphanet 2783, MedGen C1843330, MONDO:0011877, OMIM 607634.
Exudative vitreoretinopathy 4 (EVR4). Identifiers: Orphanet 891, MedGen C1866176, MONDO:0011151, OMIM 601813.
Worth disease. Also called: Autosomal dominant osteosclerosis, Worth type; ENDOSTEAL HYPEROSTOSIS, AUTOSOMAL DOMINANT; OSTEOSCLEROSIS, AUTOSOMAL DOMINANT. Identifiers: Orphanet 2790, MedGen C0432273, MONDO:0007764, OMIM 144750.
Bone mineral density quantitative trait locus 1 (BMND1). Identifiers: MedGen C1866079, OMIM 601884.

Allele frequency attached by ClinVar (database versions not stated): gnomAD exomes 0.00002 and 0.00004; ExAC 0.00006; gnomAD 0.00006 and 0.00007; TOPMed 0.00006.
gnomAD v4.1: 47 of 1,613,666 alleles (0.0029%); highest among the groups gnomAD compares: Admixed American, 0.0067%; no homozygotes.

Submissions (4):

PreventionGenetics, part of Exact Sciences
Classification: Uncertain significance for LRP5-related condition. Last evaluated: 2026-02-17. Review status: criteria provided, single submitter. Criteria: ACMG Guidelines, 2015. Collection method: clinical testing. Allele origin: germline.
Comment: The LRP5 c.1283G>A variant is predicted to result in the amino acid substitution p.Arg428Gln. To our knowledge, this variant has not been reported in the literature. This variant is reported in 0.029% of alleles in individuals of Ashkenazi Jewish descent in gnomAD. At this time, the clinical significance of this variant is uncertain due to the absence of conclusive functional and genetic evidence.

Labcorp Genetics (formerly Invitae), Labcorp
Classification: Uncertain significance. Last evaluated: 2025-10-23. Review status: criteria provided, single submitter. Criteria: Invitae Variant Classification Sherloc (09022015). Collection method: clinical testing. Allele origin: germline.
Comment: This sequence change replaces arginine, which is basic and polar, with glutamine, which is neutral and polar, at codon 428 of the LRP5 protein (p.Arg428Gln). The frequency data for this variant in the population databases is considered unreliable, as metrics indicate poor data quality at this position in the gnomAD database. This variant has not been reported in the literature in individuals affected with LRP5-related conditions. ClinVar contains an entry for this variant (Variation ID: 1008154). Invitae Evidence Modeling of protein sequence and biophysical properties (such as structural, functional, and spatial information, amino acid conservation, physicochemical variation, residue mobility, and thermodynamic stability) has been performed for this missense variant. However, the output from this modeling did not meet the statistical confidence thresholds required to predict the impact of this variant on LRP5 protein function. In summary, the available evidence is currently insufficient to determine the role of this variant in disease. Therefore, it has been classified as a Variant of Uncertain Significance.

Fulgent Genetics
Classification: Uncertain significance for Worth disease; Osteoporosis with pseudoglioma; Exudative vitreoretinopathy 4; Bone mineral density quantitative trait locus 1; Autosomal dominant osteopetrosis 1; Polycystic liver disease 4 with or without kidney cysts. Last evaluated: 2024-03-14. Review status: criteria provided, single submitter. Criteria: ACMG Guidelines, 2015. Collection method: clinical testing. Allele origin: germline.

Ambry Genetics
Classification: Uncertain significance for Inborn genetic diseases. Last evaluated: 2022-10-03. Review status: criteria provided, single submitter. Criteria: Ambry Variant Classification Scheme 2023. Collection method: clinical testing. Allele origin: germline.